The following is an entry in ClinVar:

ClinVar aggregate classification (germline): Uncertain significance (1 of 4 stars; one submission).

Conditions:
TRRAP-related disorder. Also called: TRRAP-related condition.

gnomAD v4.1: 1 of 1,614,166 alleles (0.000062%); highest among the groups gnomAD compares: Non-Finnish European, 0.000085%; no homozygotes.

Submission:

PreventionGenetics, part of Exact Sciences
Classification: Uncertain significance for TRRAP-related condition. Last evaluated: 2025-10-30. Review status: criteria provided, single submitter. Criteria: ACMG Guidelines, 2015. Collection method: clinical testing. Allele origin: germline.
Comment: The TRRAP c.8903C>A variant is predicted to result in the amino acid substitution p.Ser2968Tyr. To our knowledge, this variant has not been reported in the literature or in a large population database (gnomAD), indicating this variant is rare. At this time, the clinical significance of this variant is uncertain due to the absence of conclusive functional and genetic evidence.

NM_001375524.1(TRRAP):c.8978C>A (p.Ser2993Tyr)

Gene: TRRAP (transformation/transcription domain associated protein; plus strand). Cytogenetic location: 7q22.1.
Variant type: single nucleotide variant.
Coding change: c.8978C>A on transcript NM_001375524.1 (MANE Select); coding-DNA position 8978, C replaced by A.
Protein change: p.Ser2993Tyr; replaces serine 2993 with tyrosine.
Molecular consequence: missense variant.
Genome position (GRCh38, 1-based): chr7:98,983,415, C>A. VCF-style: chr7-98983415-C-A. GRCh37 (hg19) VCF-style: chr7-98581038-C-A.
Other names: c.8957C>A, p.Ser2986Tyr (NM_001244580.2); c.8903C>A, p.Ser2968Tyr (NM_003496.4); short protein forms S2993Y, S2968Y, S2986Y.
Identifiers: ClinVar variation 4979094 (VCV004979094.1).
Genomic context (GRCh38, chr7:98,983,415, plus strand): 5'-ACATGAAGACGGTGGTGAAGACCTGGAGGAACCGACTGCCCATCGTGTCTGACGACTTGT[C>A]CCACTGGAGCAGCATCTTCATGTGGAGGCAGCATCATTACCAGGGTAAACCGACCTGGTC-3'
Protein context (NP_001362453.1, residues 2983-3003): NRLPIVSDDL[Ser2993Tyr]HWSSIFMWRQ